The following is an entry in ClinVar:

ClinVar aggregate classification (germline): Pathogenic. Review status: no assertion criteria provided (0 of 4 stars). 2 submissions from 2 submitters: Pathogenic (1). 1 of the submissions does not count toward it. Last evaluated 2021-12-20.

Conditions:
Poikiloderma with neutropenia (PN). Identifiers: Orphanet 221046, MedGen C1858723, MONDO:0011405, OMIM 604173.

Submissions (2):

OMIM
Classification: Pathogenic for POIKILODERMA WITH NEUTROPENIA. Last evaluated: 2021-12-20. Review status: no assertion criteria provided. Collection method: literature only. Allele origin: germline.

GeneReviews
No classification provided. Condition: Poikiloderma with neutropenia. Review status: no classification provided. Collection method: literature only. Allele origin: germline. Not counted in ClinVar's aggregate classification.
Comment: c.531delA was identified in 12 unrelated Turkish families

Literature cited by the submitters: PubMed 29770900 (cited by OMIM); NCBI Bookshelf NBK459118 (cited by GeneReviews); PubMed 29072891 (cited by GeneReviews).

NM_024598.4(USB1):c.531del (p.His179fs)

Gene: USB1 (U6 snRNA biogenesis phosphodiesterase 1; plus strand). Cytogenetic location: 16q21.
Variant type: Deletion.
Coding change: c.531del on transcript NM_024598.4 (MANE Select); coding-DNA position 531, one base deleted (A; older notation c.531delA).
Protein change: p.His179fs; shifts the reading frame from histidine 179.
Molecular consequence: frameshift variant.
Genome position (GRCh38, 1-based): chr16:58,017,361, A deleted. VCF-style (leftmost placement, unchanged base first): chr16-58017360-CA-C. GRCh37 (hg19) VCF-style: chr16-58051264-CA-C.
Other names: c.531delA (NM_024598.3); c.477del, p.His161fs (NM_001195302.2); c.378del, p.His128fs (NM_001330568.2); short protein forms H128fs, H161fs, H179fs.
Identifiers: ClinVar variation 496745 (VCV000496745.3), dbSNP rs1555498565, ClinGen allele CA658798611.